The following is an entry in ClinVar:

ClinVar aggregate classification (germline): Benign/Likely benign. Review status: criteria provided, multiple submitters, no conflicts (2 of 4 stars). 9 submissions from 9 submitters: Benign (1); Likely benign (5). 3 of the submissions do not count toward it. Last evaluated 2026-01-28.

Conditions:
Bardet-Biedl syndrome (BBS). Identifiers: Orphanet 110, MedGen C0752166, MONDO:0015229.
Bardet-Biedl syndrome 10 (BBS10). Identifiers: Orphanet 110, MedGen C1859568, MONDO:0014438, OMIM 615987.

Allele frequency attached by ClinVar (database versions not stated): gnomAD exomes 0.00014 and 0.00035; ExAC 0.00043; 1000 Genomes Project 0.00140; gnomAD 0.00154 and 0.00167; TOPMed 0.00167; 1000 Genomes Project 30x 0.00172; ESP Exome Variant Server 0.00200.
gnomAD v4.1: 449 of 1,613,910 alleles (0.028%); highest among the groups gnomAD compares: African/African-American, 0.55%; no homozygotes.

Submissions (9):

Labcorp Genetics (formerly Invitae), Labcorp
Classification: Likely benign for Bardet-Biedl syndrome. Last evaluated: 2026-01-28. Review status: criteria provided, single submitter. Criteria: Invitae Variant Classification Sherloc (09022015). Collection method: clinical testing. Allele origin: germline.

Mayo Clinic Laboratories, Mayo Clinic
Classification: Likely benign. Last evaluated: 2025-09-28. Review status: criteria provided, single submitter. Criteria: ACMG Guidelines, 2015. Collection method: clinical testing. Allele origin: germline. Observed: 1 variant allele.
Comment: BS1, BP4

Blueprint Genetics
Classification: Likely benign. Last evaluated: 2024-05-28. Review status: criteria provided, single submitter. Criteria: ACMG Guidelines, 2015. Collection method: clinical testing. Allele origin: germline.

Genetic Services Laboratory, University of Chicago
Classification: Likely benign. Last evaluated: 2016-02-16. Review status: criteria provided, single submitter. Criteria: ACMG Guidelines, 2015. Collection method: clinical testing. Allele origin: germline. Affected: no.

Breakthrough Genomics
Classification: Likely benign. Review status: criteria provided, single submitter. Criteria: ACMG Guidelines, 2015. Collection method: not provided. Allele origin: germline. Inheritance: Autosomal recessive inheritance. Affected: yes.

PreventionGenetics, part of Exact Sciences
Classification: Benign. Review status: criteria provided, single submitter. Criteria: ACMG Guidelines, 2015. Collection method: clinical testing. Allele origin: germline.

Natera, Inc.
Classification: Likely benign for Bardet-Biedl syndrome type 10. Last evaluated: 2020-09-16. Review status: no assertion criteria provided. Collection method: clinical testing. Allele origin: germline. Not counted in ClinVar's aggregate classification.

Clinical Genetics, Academic Medical Center
Classification: Likely benign. Review status: no assertion criteria provided. Collection method: clinical testing. Allele origin: germline. Affected: yes. Study: VKGL Data-share Consensus. Not counted in ClinVar's aggregate classification.

Genome Diagnostics Laboratory, University Medical Center Utrecht
Classification: Benign. Review status: no assertion criteria provided. Collection method: clinical testing. Allele origin: germline. Affected: yes. Study: VKGL Data-share Consensus. Not counted in ClinVar's aggregate classification.

NM_024685.4(BBS10):c.1669A>G (p.Ile557Val)

Gene: BBS10 (Bardet-Biedl syndrome 10; minus strand). Cytogenetic location: 12q21.2.
Variant type: single nucleotide variant.
Coding change: c.1669A>G on transcript NM_024685.4 (MANE Select); coding-DNA position 1669, A replaced by G.
Protein change: p.Ile557Val; replaces isoleucine 557 with valine.
Molecular consequence: missense variant.
Genome position (GRCh38, 1-based): chr12:76,346,316, T>C on the plus strand (A>G on the coding strand, the complement: BBS10 is on the minus strand). VCF-style: chr12-76346316-T-C. GRCh37 (hg19) VCF-style: chr12-76740096-T-C.
Other names: p.Ile557Val; c.1669A>G, p.Ile557Val (LRG_1255t1); short protein forms I557V.
Identifiers: ClinVar variation 261755 (VCV000261755.23), dbSNP rs139719799, ClinGen allele CA6694129.